The following is an entry in ClinVar:

NM_173628.4(DNAH17):c.10468G>A (p.Gly3490Ser)

Gene: DNAH17 (dynein axonemal heavy chain 17; minus strand). Cytogenetic location: 17q25.3.
Variant type: single nucleotide variant.
Coding change: c.10468G>A on transcript NM_173628.4 (MANE Select); coding-DNA position 10468, G replaced by A.
Protein change: p.Gly3490Ser; replaces glycine 3490 with serine.
Molecular consequence: missense variant.
Genome position (GRCh38, 1-based): chr17:78,453,404, C>T on the plus strand (G>A on the coding strand, the complement: DNAH17 is on the minus strand). VCF-style: chr17-78453404-C-T. GRCh37 (hg19) VCF-style: chr17-76449486-C-T.
Other names: short protein forms G3490S.
Identifiers: ClinVar variation 2213951 (VCV002213951.25), dbSNP rs115257318, ClinGen allele CA8800833.

ClinVar aggregate classification (germline): Uncertain significance. Review status: criteria provided, multiple submitters, no conflicts (2 of 4 stars). 3 submissions from 3 submitters: Uncertain significance (3). Last evaluated 2026-03-11.

Conditions:
Inborn genetic diseases. Identifiers: MedGen C0950123, MeSH D030342.

Allele frequency attached by ClinVar (database versions not stated): gnomAD exomes 0.00004; ExAC 0.00016; 1000 Genomes Project 0.00020; 1000 Genomes Project 30x 0.00031; gnomAD 0.00040; TOPMed 0.00047; ESP Exome Variant Server 0.00077.
gnomAD v4.1: 113 of 1,613,834 alleles (0.007%); highest among the groups gnomAD compares: African/African-American, 0.14%; no homozygotes.

Submissions (3):

GeneDx
Classification: Uncertain significance. Last evaluated: 2026-03-11. Review status: criteria provided, single submitter. Criteria: GeneDx Variant Classification Process June 2021. Collection method: clinical testing. Allele origin: germline.
Comment: In silico analysis supports that this missense variant has a deleterious effect on protein structure/function; Has not been previously published as pathogenic or benign to our knowledge

CeGaT Center for Human Genetics Tuebingen
Classification: Uncertain significance. Last evaluated: 2024-01-01. Review status: criteria provided, single submitter. Criteria: CeGaT Center For Human Genetics Tuebingen Variant Classification Criteria Version 2. Collection method: clinical testing. Allele origin: germline. Affected: yes. Observed: 1 variant allele.
Comment: DNAH17: PM2, BP4

Ambry Genetics
Classification: Uncertain significance for Inborn genetic diseases. Last evaluated: 2021-09-17. Review status: criteria provided, single submitter. Criteria: Ambry Variant Classification Scheme 2023. Collection method: clinical testing. Allele origin: germline.